The following is an entry in ClinVar:

NM_033305.3(VPS13A):c.7251_7254del (p.Asn2418fs)

Gene: VPS13A (vacuolar protein sorting 13 homolog A; plus strand). Cytogenetic location: 9q21.2.
Variant type: Deletion.
Coding change: c.7251_7254del on transcript NM_033305.3 (MANE Select); coding-DNA positions 7251 to 7254, 4 bases deleted (AAAT; older notation c.7251_7254delAAAT).
Protein change: p.Asn2418fs; shifts the reading frame from asparagine 2418.
Molecular consequence: frameshift variant.
Genome position (GRCh38, 1-based): chr9:77,345,104-77,345,107, AAAT deleted; deleting any 4 consecutive bases within chr9:77,345,101-77,345,107 gives the same sequence; the c. name uses the placement nearest the transcript's 3' end. VCF-style (leftmost placement, unchanged base first): chr9-77345100-TAATA-T. GRCh37 (hg19) VCF-style: chr9-79960016-TAATA-T.
Other names: c.7251_7254del, p.Asn2418fs (NM_001018038.3, NM_015186.4); c.7134_7137del, p.Asn2379fs (NM_001018037.2); short protein forms N2379fs, N2418fs.
Identifiers: ClinVar variation 4816420 (VCV004816420.1).
Genomic context (GRCh38, chr9:77,345,100, plus strand): 5'-CCGAGCATTCTACAGTTATTACATTTTTAGATTATCATGATGGAGCAGCTACATTCCTCT[TAATA>T]AATCACACAAAGAATGAACTTGTTCAATACAATCAAAGGTAAGATTATCACAAATACAGT-3'

ClinVar aggregate classification (germline): Pathogenic (1 of 4 stars; one submission).

Conditions:
VPS13A-related neurodegenerative disease. Also called: LEVINE-CRITCHLEY SYNDROME; Choreoacanthocytosis; Chorea-acanthocytosis; ACANTHOCYTOSIS WITH NEUROLOGIC DISORDER; VPS13A Disease; Choreaacanthocytosis. Identifiers: Orphanet 2388, MedGen C0393576, MONDO:0008695, OMIM 200150.

Submission:

Natera, Inc.
Classification: Pathogenic for Choreaacanthocytosis. Last evaluated: 2025-12-08. Review status: criteria provided, single submitter. Criteria: Natera Variant Classification Schema (03/2026). Collection method: clinical testing. Allele origin: germline.
Comment: The c.7251_7254del variant in VPS13A is a frameshift variant predicted to shift the reading frame beginning at codon 2418 and leads to a stop codon 17 codons downstream. This variant is expected to result in nonsense mediated decay, truncation, or a dysfunctional protein product. This variant is rare in the general population with a frequency below the threshold expected for the associated phenotype(s). This variant has been observed in one or more individuals affected with the associated recessive disease, as either homozygous or compound heterozygous with a second variant (PMID: 40627817). Given the available evidence, this variant is classified as Pathogenic.

Literature cited by the submitters: PubMed 40627817.